The following is an entry in ClinVar:

NM_133510.4(RAD51B):c.64C>G (p.His22Asp)

Gene: RAD51B (RAD51 paralog B; plus strand). Cytogenetic location: 14q24.1.
Variant type: single nucleotide variant.
Coding change: c.64C>G on transcript NM_133510.4 (MANE Select); coding-DNA position 64, C replaced by G.
Protein change: p.His22Asp; replaces histidine 22 with aspartic acid.
Molecular consequence: missense variant. On other transcripts: 5 prime UTR variant (2).
Genome position (GRCh38, 1-based): chr14:67,823,607, C>G. VCF-style: chr14-67823607-C-G. GRCh37 (hg19) VCF-style: chr14-68290324-C-G.
Other names: c.64C>G, p.His22Asp (NM_001321809.2, NM_001321810.2, NM_001321812.1 and 6 more transcripts); c.-51C>G (NM_001321815.1); c.-392C>G (NM_001321817.2); short protein forms H22D.
Identifiers: ClinVar variation 4575276 (VCV004575276.1).

ClinVar aggregate classification (germline): Uncertain significance (1 of 4 stars; one submission).

Submission:

Ambry Genetics
Classification: Uncertain significance. Last evaluated: 2025-09-20. Review status: criteria provided, single submitter. Criteria: Ambry Variant Classification Scheme 2023. Collection method: clinical testing. Allele origin: germline.
Comment: The p.H22D variant (also known as c.64C>G), located in coding exon 1 of the RAD51B gene, results from a C to G substitution at nucleotide position 64. The histidine at codon 22 is replaced by aspartic acid, an amino acid with similar properties. This amino acid position is conserved. In addition, this alteration is predicted to be tolerated by in silico analysis. Based on the available evidence, the clinical significance of this variant remains unclear.